The following is an entry in ClinVar:

ClinVar aggregate classification (germline): Conflicting classifications of pathogenicity. Review status: criteria provided, conflicting classifications (1 of 4 stars). 2 submissions from 2 submitters: Uncertain significance (1); Likely benign (1). Last evaluated 2026-01-24.

Conditions:
Hereditary cancer-predisposing syndrome. Also called: Tumor predisposition; Hereditary Cancer Syndrome; Hereditary neoplastic syndrome; Neoplastic Syndromes, Hereditary. Identifiers: Orphanet 140162, MedGen C0027672, MeSH D009386, MONDO:0015356.
Neurofibromatosis, type 1 (NF1). Also called: VON RECKLINGHAUSEN DISEASE; NEUROFIBROMATOSIS, TYPE I, SOMATIC; Peripheral type neurofibromatosis; Neurofibromatosis, type I. Identifiers: Orphanet 636, MedGen C0027831, MONDO:0018975, OMIM 162200. Disease mechanism: loss of function.

Submissions (2):

Labcorp Genetics (formerly Invitae), Labcorp
Classification: Likely benign for Neurofibromatosis, type 1. Last evaluated: 2026-01-24. Review status: criteria provided, single submitter. Criteria: Invitae Variant Classification Sherloc (09022015). Collection method: clinical testing. Allele origin: germline.

Ambry Genetics
Classification: Uncertain significance for Hereditary cancer-predisposing syndrome. Last evaluated: 2015-10-15. Review status: criteria provided, single submitter. Criteria: Ambry Autosomal Dominant and X-Linked criteria (10/2015). Collection method: clinical testing. Allele origin: germline. Observed: 1 variant allele.
Comment: The c.1080A>C variant (also known as p.P360P), located in coding exon 10, results from an A to C substitution at nucleotide position 1080 of the NF1 gene. This nucleotide substitution does not change the amino acid at codon 360. This variant was not reported in population based cohorts in the following databases: Database of Single Nucleotide Polymorphisms (dbSNP), NHLBI Exome Sequencing Project (ESP), and 1000 Genomes Project. In the ESP, this variant was not observed in 6502 samples (13004 alleles) with coverage at this position. To date, this alteration has been detected with an allele frequency of approximately 0.002% (greater than 55000alleles tested) in our clinical cohort.This nucleotide position is not well conserved in available vertebrate species. Using the BDGP and ESEfinder splice site prediction tools, this alteration is predicted to create a new alternate splice acceptor site; however, direct evidence is unavailable.Since supporting evidence is limited at this time, the clinical significance of c.1080A>Cremains unclear.

NM_001042492.3(NF1):c.1080A>C (p.Pro360=)

Gene: NF1 (neurofibromin 1; plus strand). Cytogenetic location: 17q11.2.
Variant type: single nucleotide variant.
Coding change: c.1080A>C on transcript NM_001042492.3 (MANE Select); coding-DNA position 1080, A replaced by C.
Protein change: p.Pro360=; no amino-acid change (proline 360 retained).
Molecular consequence: synonymous variant.
Genome position (GRCh38, 1-based): chr17:31,201,054, A>C. VCF-style: chr17-31201054-A-C. GRCh37 (hg19) VCF-style: chr17-29528072-A-C.
Other names: c.1080A>C, p.Pro360= (NM_000267.4, NM_001128147.3).
Identifiers: ClinVar variation 234241 (VCV000234241.4), dbSNP rs777642846, ClinGen allele CA10580210.
Genomic context (GRCh38, chr17:31,201,054, plus strand): 5'-ATGGGTATTTAAAGGCTTTTGTTTTCTGTTGGGGTTTTTATAGAACCTGCTTTTTAATCC[A>C]AGTAAGCCATTCTCAAGAGGCAGTCAGCCTGCAGATGTGGATCTAATGATTGACTGCCTT-3'
Protein context (NP_001035957.1, residues 350-370): VVDLKNLLFN[Pro360=]SKPFSRGSQP